The following is an entry in ClinVar:

NM_025145.7(CFAP43):c.2658G>A (p.Trp886Ter)

Gene: CFAP43 (cilia and flagella associated protein 43; minus strand). Cytogenetic location: 10q25.1.
Variant type: single nucleotide variant.
Coding change: c.2658G>A on transcript NM_025145.7 (MANE Select); coding-DNA position 2658, G replaced by A.
Protein change: p.Trp886Ter; replaces tryptophan 886 with a stop codon.
Molecular consequence: nonsense.
Genome position (GRCh38, 1-based): chr10:104,168,777, C>T on the plus strand (G>A on the coding strand, the complement: CFAP43 is on the minus strand). VCF-style: chr10-104168777-C-T. GRCh37 (hg19) VCF-style: chr10-105928535-C-T.
Other names: c.2658G>A (NM_025145.6); short protein forms W886*.
Identifiers: ClinVar variation 4981323 (VCV004981323.1), dbSNP rs139080358.

ClinVar aggregate classification (germline): Likely pathogenic (1 of 4 stars; one submission).

Conditions:
CFAP43-related disorder. Also called: CFAP43-related condition.

Allele frequency attached by ClinVar (database versions not stated): ExAC 0.00010; gnomAD exomes 0.00012 and 0.00024; TOPMed 0.00014; 1000 Genomes Project 30x 0.00016; gnomAD 0.00017; 1000 Genomes Project 0.00020; ESP Exome Variant Server 0.00023.
gnomAD v4.1: 372 of 1,614,112 alleles (0.023%); highest among the groups gnomAD compares: Non-Finnish European, 0.029%; no homozygotes.

Submission:

PreventionGenetics, part of Exact Sciences
Classification: Likely pathogenic for CFAP43-related condition. Last evaluated: 2025-02-10. Review status: criteria provided, single submitter. Criteria: ACMG Guidelines, 2015. Collection method: clinical testing. Allele origin: germline.
Comment: The CFAP43 c.2658G>A variant is predicted to result in premature protein termination (p.Trp886*). This variant is reported in 0.019% of alleles in individuals of European (Non-Finnish) descent in gnomAD. Nonsense variants in CFAP43 are expected to be pathogenic. This variant is interpreted as likely pathogenic.